The following is an entry in ClinVar:

NM_194454.3(KRIT1):c.790_818del (p.Gln264fs)

Gene: KRIT1 (KRIT1 ankyrin repeat containing; minus strand). Cytogenetic location: 7q21.2.
Variant type: Deletion.
Coding change: c.790_818del on transcript NM_194454.3 (MANE Select); coding-DNA positions 790 to 818, 29 bases deleted (CAAATACCTAAACAGGAAAAATGGCAGAG).
Protein change: p.Gln264fs; shifts the reading frame from glutamine 264.
Molecular consequence: frameshift variant.
Genome position (GRCh38, 1-based): chr7:92,234,835-92,234,863, CTCTGCCATTTTTCCTGTTTAGGTATTTG deleted on the plus strand (CAAATACCTAAACAGGAAAAATGGCAGAG on the coding strand, the reverse complement: KRIT1 is on the minus strand). VCF-style (leftmost placement, unchanged base first): chr7-92234834-TCTCTGCCATTTTTCCTGTTTAGGTATTTG-T. GRCh37 (hg19) VCF-style: chr7-91864148-TCTCTGCCATTTTTCCTGTTTAGGTATTTG-T.
Other names: c.790_818del, p.Gln264fs (NM_001350685.1, NM_001350686.1, NM_001350687.1 and 29 more transcripts); c.76_104del, p.Gln26fs (NM_001350671.1); short protein forms Q264fs, Q26fs.
Identifiers: ClinVar variation 2091148 (VCV002091148.4), dbSNP rs2536012310, ClinGen allele CA2580077459.

ClinVar aggregate classification (germline): Pathogenic (1 of 4 stars; one submission).

Conditions:
Cerebral cavernous malformation (CCM). Also called: Cerebral cavernous hemangioma (type); Cerebral cavernous malformations; CAVERNOUS ANGIOMA, FAMILIAL; CAVERNOUS ANGIOMATOUS MALFORMATIONS; CEREBRAL CAPILLARY MALFORMATIONS; Cavernous Hemangioma of Brain. Identifiers: Orphanet 221061, MedGen C2919945, MONDO:0000820, OMIM 116860, HP:0033522.

Submission:

Labcorp Genetics (formerly Invitae), Labcorp
Classification: Pathogenic for Cerebral cavernous malformation. Last evaluated: 2022-01-31. Review status: criteria provided, single submitter. Criteria: Invitae Variant Classification Sherloc (09022015). Collection method: clinical testing. Allele origin: germline.
Comment: For these reasons, this variant has been classified as Pathogenic. This variant has not been reported in the literature in individuals affected with KRIT1-related conditions. This variant is not present in population databases (gnomAD no frequency). This sequence change creates a premature translational stop signal (p.Gln264Lysfs*16) in the KRIT1 gene. It is expected to result in an absent or disrupted protein product. Loss-of-function variants in KRIT1 are known to be pathogenic (PMID: 10508515, 11222804, 12404106, 24689081).

Literature cited by the submitters: PubMed 10508515; PubMed 11222804; PubMed 12404106; PubMed 24689081.